The following is an entry in ClinVar:

ClinVar aggregate classification (germline): Uncertain significance. Review status: criteria provided, multiple submitters, no conflicts (2 of 4 stars). 4 submissions from 4 submitters: Uncertain significance (4). Last evaluated 2025-12-01.

Conditions:
Cardiovascular phenotype. Identifiers: MedGen CN230736.
3-Methylglutaconic aciduria type 2 (BTHS). Also called: CARDIOSKELETAL MYOPATHY WITH NEUTROPENIA AND ABNORMAL MITOCHONDRIA; Barth syndrome. Identifiers: Orphanet 111, MedGen C0574083, MONDO:0010543, OMIM 302060.

Allele frequency attached by ClinVar (database versions not stated): ExAC 0.00002; gnomAD exomes 0.00003 and 0.00004; gnomAD 0.00006; TOPMed 0.00006.
gnomAD v4.1: 49 of 1,209,050 alleles (0.0041%); highest among the groups gnomAD compares: Non-Finnish European, 0.0051%; no homozygotes.

Submissions (4):

Labcorp Genetics (formerly Invitae), Labcorp
Classification: Uncertain significance for 3-Methylglutaconic aciduria type 2. Last evaluated: 2025-12-01. Review status: criteria provided, single submitter. Criteria: Invitae Variant Classification Sherloc (09022015). Collection method: clinical testing. Allele origin: germline.
Comment: This sequence change replaces arginine, which is basic and polar, with tryptophan, which is neutral and slightly polar, at codon 251 of the TAZ protein (p.Arg251Trp). This variant is present in population databases (rs372689133, gnomAD 0.006%). This variant has not been reported in the literature in individuals affected with TAZ-related conditions. ClinVar contains an entry for this variant (Variation ID: 202095). An algorithm developed to predict the effect of missense changes on protein structure and function (PolyPhen-2) suggests that this variant is likely to be tolerated. In summary, the available evidence is currently insufficient to determine the role of this variant in disease. Therefore, it has been classified as a Variant of Uncertain Significance.

GeneDx
Classification: Uncertain significance. Last evaluated: 2025-06-27. Review status: criteria provided, single submitter. Criteria: GeneDx Variant Classification Process June 2021. Collection method: clinical testing. Allele origin: germline. Affected: yes.
Comment: Has not been previously published as pathogenic or benign to our knowledge; In silico analysis supports that this missense variant has a deleterious effect on protein structure/function

Ambry Genetics
Classification: Uncertain significance for Cardiovascular phenotype. Last evaluated: 2024-08-22. Review status: criteria provided, single submitter. Criteria: Ambry Variant Classification Scheme 2023. Collection method: clinical testing. Allele origin: germline.
Comment: The p.R251W variant (also known as c.751C>T), located in coding exon 10 of the TAZ gene, results from a C to T substitution at nucleotide position 751. The arginine at codon 251 is replaced by tryptophan, an amino acid with dissimilar properties. Based on data from gnomAD, the T allele has an overall frequency of 0.0034% (7/204723) total alleles studied, with 2 hemizygote(s) observed. The highest observed frequency was 0.0065% (6/92362) of European (non-Finnish) alleles. This amino acid position is well conserved in available vertebrate species. In addition, the in silico prediction for this alteration is inconclusive. Based on the available evidence, the clinical significance of this variant remains unclear.

Laboratory for Molecular Medicine, Mass General Brigham Personalized Medicine
Classification: Uncertain significance. Last evaluated: 2016-04-29. Review status: criteria provided, single submitter. Criteria: LMM Criteria. Collection method: clinical testing. Allele origin: germline. Observed: 1 variant allele.
Comment: The p.Arg251Trp variant in TAZ has not been previously reported in individuals w ith cardiomyopathy, but has been identified in 2/47966 European chromosomes by t he Exome Aggregation Consortium (ExAC; dbSNP rs3 72689133). Computational prediction tools and conservation analysis do not provi de strong support for or against an impact to the protein. In summary, the clini cal significance of the p.Arg251Trp variant is uncertain.

NM_000116.5(TAFAZZIN):c.751C>T (p.Arg251Trp)

Gene: TAFAZZIN (tafazzin, phospholipid-lysophospholipid transacylase; plus strand). Cytogenetic location: Xq28.
Variant type: single nucleotide variant.
Coding change: c.751C>T on transcript NM_000116.5 (MANE Select); coding-DNA position 751, C replaced by T.
Protein change: p.Arg251Trp; replaces arginine 251 with tryptophan.
Molecular consequence: missense variant. On other transcripts: non-coding transcript variant (1).
Genome position (GRCh38, 1-based): chrX:154,420,709, C>T. VCF-style: chrX-154420709-C-T. GRCh37 (hg19) VCF-style: chrX-153649048-C-T.
Other names: p.R251W:CGG>TGG; c.763C>T, p.Arg255Trp (NM_001303465.2); c.661C>T, p.Arg221Trp (NM_181311.4); c.709C>T, p.Arg237Trp (NM_181312.4); c.619C>T, p.Arg207Trp (NM_181313.4); short protein forms R251W, R207W, R221W, R237W, R255W.
Identifiers: ClinVar variation 202095 (VCV000202095.14), dbSNP rs372689133, ClinGen allele CA308805.